The following is an entry in ClinVar:

ClinVar aggregate classification (germline): Uncertain significance (1 of 4 stars; one submission).

Conditions:
Kabuki syndrome. Also called: NIIKAWA-KUROKI SYNDROME; Kabuki make-up syndrome. Identifiers: Orphanet 2322, MedGen C0796004, MONDO:0016512.

Submission:

Labcorp Genetics (formerly Invitae), Labcorp
Classification: Uncertain significance for Kabuki syndrome. Last evaluated: 2021-08-05. Review status: criteria provided, single submitter. Criteria: Invitae Variant Classification Sherloc (09022015). Collection method: clinical testing. Allele origin: germline.
Comment: This sequence change replaces glycine with arginine at codon 410 of the KMT2D protein (p.Gly410Arg). The glycine residue is weakly conserved and there is a moderate physicochemical difference between glycine and arginine. In summary, the available evidence is currently insufficient to determine the role of this variant in disease. Therefore, it has been classified as a Variant of Uncertain Significance. Advanced modeling of protein sequence and biophysical properties (such as structural, functional, and spatial information, amino acid conservation, physicochemical variation, residue mobility, and thermodynamic stability) performed at Invitae indicates that this missense variant is not expected to disrupt KMT2D protein function. This variant has not been reported in the literature in individuals affected with KMT2D-related conditions. This variant is not present in population databases (ExAC no frequency).

NM_003482.4(KMT2D):c.1228G>C (p.Gly410Arg)

Gene: KMT2D (lysine methyltransferase 2D; minus strand). Cytogenetic location: 12q13.12.
Variant type: single nucleotide variant.
Coding change: c.1228G>C on transcript NM_003482.4 (MANE Select); coding-DNA position 1228, G replaced by C.
Protein change: p.Gly410Arg; replaces glycine 410 with arginine.
Molecular consequence: missense variant.
Genome position (GRCh38, 1-based): chr12:49,052,594, C>G on the plus strand (G>C on the coding strand, the complement: KMT2D is on the minus strand). VCF-style: chr12-49052594-C-G. GRCh37 (hg19) VCF-style: chr12-49446377-C-G.
Other names: short protein forms G410R.
Identifiers: ClinVar variation 1466939 (VCV001466939.6), dbSNP rs2120689356, ClinGen allele CA384676255.
Genomic context (GRCh38, chr12:49,052,594, plus strand): 5'-GAATTTCAGGGACCCTCAAACCCTACTCACCTAGTGGTTTGGCTTCACATTGCAGGGGCC[C>G]TGGTTCCTTGGGTTGCATAGAGGTCACGTGCCCACCCTTTGGCTGCCCTTGGCATGCAAC-3'
Protein context (NP_003473.3, residues 400-420): HVTSMQPKEP[Gly410Arg]PLQCEAKPLG